The following is an entry in ClinVar:

NM_005902.4(SMAD3):c.57G>T (p.Lys19Asn)

Gene: SMAD3 (SMAD family member 3; plus strand). Cytogenetic location: 15q22.33.
Variant type: single nucleotide variant.
Coding change: c.57G>T on transcript NM_005902.4 (MANE Select); coding-DNA position 57, G replaced by T.
Protein change: p.Lys19Asn; replaces lysine 19 with asparagine.
Molecular consequence: missense variant.
Genome position (GRCh38, 1-based): chr15:67,066,211, G>T. VCF-style: chr15-67066211-G-T. GRCh37 (hg19) VCF-style: chr15-67358549-G-T.
Other names: c.57G>T, p.Lys19Asn (NM_001407011.1, NM_001407012.1, NM_001407013.1); short protein forms K19N.
Identifiers: ClinVar variation 2573895 (VCV002573895.1), dbSNP rs867126915, ClinGen allele CA393202782.

ClinVar aggregate classification (germline): Uncertain significance (1 of 4 stars; one submission).

Submission:

GeneDx
Classification: Uncertain significance. Last evaluated: 2023-01-24. Review status: criteria provided, single submitter. Criteria: GeneDx Variant Classification Process June 2021. Collection method: clinical testing. Allele origin: germline. Affected: yes.
Comment: Not observed at significant frequency in large population cohorts (gnomAD); In silico analysis supports that this missense variant has a deleterious effect on protein structure/function; Has not been previously published as pathogenic or benign to our knowledge